The following is an entry in ClinVar:

NM_000293.3(PHKB):c.2033+5G>A

Gene: PHKB (phosphorylase kinase regulatory subunit beta; plus strand). Cytogenetic location: 16q12.1.
Variant type: single nucleotide variant.
Coding change: c.2033+5G>A on transcript NM_000293.3 (MANE Select); 5 bases into the intron after coding-DNA position 2033, G replaced by A.
Molecular consequence: intron variant.
Genome position (GRCh38, 1-based): chr16:47,660,572, G>A. VCF-style: chr16-47660572-G-A. GRCh37 (hg19) VCF-style: chr16-47694483-G-A.
Other names: c.2033+5G>A (NM_001363837.1); c.2012+5G>A (NM_001031835.3).
Identifiers: ClinVar variation 2108023 (VCV002108023.4), dbSNP rs2506605799, ClinGen allele CA2580091563.

ClinVar aggregate classification (germline): Uncertain significance (1 of 4 stars; one submission).

Conditions:
Glycogen storage disease IXb (GSD9B). Also called: PHOSPHORYLASE KINASE DEFICIENCY OF LIVER AND MUSCLE, AUTOSOMAL RECESSIVE; GLYCOGENOSIS OF LIVER AND MUSCLE, AUTOSOMAL RECESSIVE; GSD IXb. Identifiers: Orphanet 79240, MedGen C0543514, MONDO:0009868, OMIM 261750.

Allele frequency attached by ClinVar (database versions not stated): gnomAD exomes below 0.00001.
gnomAD v4.1: 1 of 1,612,838 alleles (0.000062%); highest among the groups gnomAD compares: Admixed American, 0.0017%; no homozygotes.

Submission:

Labcorp Genetics (formerly Invitae), Labcorp
Classification: Uncertain significance for Glycogen storage disease IXb. Last evaluated: 2022-03-24. Review status: criteria provided, single submitter. Criteria: Invitae Variant Classification Sherloc (09022015). Collection method: clinical testing. Allele origin: germline.
Comment: In summary, the available evidence is currently insufficient to determine the role of this variant in disease. Therefore, it has been classified as a Variant of Uncertain Significance. Variants that disrupt the consensus splice site are a relatively common cause of aberrant splicing (PMID: 17576681, 9536098). Algorithms developed to predict the effect of sequence changes on RNA splicing suggest that this variant may disrupt the consensus splice site. This variant has not been reported in the literature in individuals affected with PHKB-related conditions. This variant is not present in population databases (gnomAD no frequency). This sequence change falls in intron 21 of the PHKB gene. It does not directly change the encoded amino acid sequence of the PHKB protein. It affects a nucleotide within the consensus splice site.

Literature cited by the submitters: PubMed 17576681; PubMed 9536098.